The following is an entry in ClinVar:

NM_001184.4(ATR):c.4975G>A (p.Glu1659Lys)

Gene: ATR (ATR serine/threonine kinase; minus strand). Cytogenetic location: 3q23.
Variant type: single nucleotide variant.
Coding change: c.4975G>A on transcript NM_001184.4 (MANE Select); coding-DNA position 4975, G replaced by A.
Protein change: p.Glu1659Lys; replaces glutamic acid 1659 with lysine.
Molecular consequence: missense variant.
Genome position (GRCh38, 1-based): chr3:142,507,987, C>T on the plus strand (G>A on the coding strand, the complement: ATR is on the minus strand). VCF-style: chr3-142507987-C-T. GRCh37 (hg19) VCF-style: chr3-142226829-C-T.
Other names: c.4783G>A, p.Glu1595Lys (NM_001354579.2); short protein forms E1659K, E1595K.
Identifiers: ClinVar variation 3461843 (VCV003461843.1).
Genomic context (GRCh38, chr3:142,507,987, plus strand): 5'-AGACCTGTAAAAATCCAAGATGTTCCTGAATATTTTGCTTCTTTTCTGTAATAAATGATT[C>T]AAAGTGCATTACAGCTCGTGTGTATGCTTTGGAGCGAAAGGAAGCTACTGCCAGAGTATC-3'
Protein context (NP_001175.2, residues 1649-1669): KAYTRAVMHF[Glu1659Lys]SFITEKKQNI

ClinVar aggregate classification (germline): Uncertain significance (1 of 4 stars; one submission).

Conditions:
Inborn genetic diseases. Identifiers: MedGen C0950123, MeSH D030342.

Submission:

Ambry Genetics
Classification: Uncertain significance for Inborn genetic diseases. Last evaluated: 2024-08-11. Review status: criteria provided, single submitter. Criteria: Ambry Variant Classification Scheme 2023. Collection method: clinical testing. Allele origin: germline.
Comment: The p.E1659K variant (also known as c.4975G>A), located in coding exon 28 of the ATR gene, results from a G to A substitution at nucleotide position 4975. The glutamic acid at codon 1659 is replaced by lysine, an amino acid with similar properties. This amino acid position is conserved. In addition, this alteration is predicted to be deleterious by in silico analysis. Based on the available evidence, the clinical significance of this variant remains unclear.